The following is an entry in ClinVar:

NM_000032.5(ALAS2):c.1438-16T>G

Gene: ALAS2 (5'-aminolevulinate synthase 2; minus strand). Cytogenetic location: Xp11.21.
Variant type: single nucleotide variant.
Coding change: c.1438-16T>G on transcript NM_000032.5 (MANE Select); 16 bases into the intron before coding-DNA position 1438, T replaced by G.
Molecular consequence: intron variant.
Genome position (GRCh38, 1-based): chrX:55,013,664, A>C on the plus strand (T>G on the coding strand, the complement: ALAS2 is on the minus strand). VCF-style: chrX-55013664-A-C. GRCh37 (hg19) VCF-style: chrX-55040097-A-C.
Other names: p.?; c.1327-16T>G (NM_001037967.4); c.1399-16T>G (NM_001037968.4); c.1438-16T>G (LRG_1163t1).
Identifiers: ClinVar variation 136356 (VCV000136356.14), dbSNP rs45468097, ClinGen allele CA289381.

ClinVar aggregate classification (germline): Benign. Review status: criteria provided, multiple submitters, no conflicts (2 of 4 stars). 5 submissions from 5 submitters: Benign (5). Last evaluated 2026-02-04.

Allele frequency attached by ClinVar (database versions not stated): ESP Exome Variant Server 0.01572; 1000 Genomes Project 0.00874; 1000 Genomes Project 30x 0.00957; TOPMed 0.01656; gnomAD 0.01865; ExAC 0.01507.
gnomAD v4.1: 27,069 of 1,208,026 alleles (2.2%); highest among the groups gnomAD compares: Non-Finnish European, 2.6%; 270 homozygotes.

Submissions (8):

Labcorp Genetics (formerly Invitae), Labcorp
Classification: Benign. Last evaluated: 2026-02-04. Review status: criteria provided, single submitter. Criteria: Invitae Variant Classification Sherloc (09022015). Collection method: clinical testing. Allele origin: germline.

ARUP Laboratories, Molecular Genetics and Genomics, ARUP Laboratories
Classification: Benign. Last evaluated: 2024-09-30. Review status: criteria provided, single submitter. Criteria: ARUP Molecular Germline Variant Investigation Process 2024. Collection method: clinical testing. Allele origin: germline.

Mayo Clinic Laboratories, Mayo Clinic
Classification: Benign. Last evaluated: 2021-11-01. Review status: criteria provided, single submitter. Criteria: ACMG Guidelines, 2015. Collection method: clinical testing. Allele origin: germline. Observed: 10 variant alleles.
Comment: BS1, BS2, BP4, BP7

GeneDx
Classification: Benign. Last evaluated: 2014-01-18. Review status: criteria provided, single submitter. Criteria: GeneDx Variant Classification (06012015). Collection method: clinical testing. Allele origin: germline. Affected: yes.
Comment: This variant is considered likely benign or benign based on one or more of the following criteria: it is a conservative change, it occurs at a poorly conserved position in the protein, it is predicted to be benign by multiple in silico algorithms, and/or has population frequency not consistent with disease.

Breakthrough Genomics
Classification: Benign. Review status: criteria provided, single submitter. Criteria: ACMG Guidelines, 2015. Collection method: not provided. Allele origin: germline. Inheritance: X-linked inheritance. Affected: yes.

Dr. Peter K. Rogan Lab, Western University
No classification provided (evidence only). Condition: Acute myeloid leukemia. Review status: no classification provided. Collection method: in vitro. Allele origin: not applicable. Functional consequence: skipped exon, retained intron. Not counted in ClinVar's aggregate classification.

Dr. Peter K. Rogan Lab, Western University
No classification provided (evidence only). Condition: Cervical cancer. Review status: no classification provided. Collection method: in vitro. Allele origin: not applicable. Functional consequence: retained intron. Not counted in ClinVar's aggregate classification.

Dr. Peter K. Rogan Lab, Western University
No classification provided (evidence only). Condition: Thymoma. Review status: no classification provided. Collection method: in vitro. Allele origin: not applicable. Functional consequence: retained intron. Not counted in ClinVar's aggregate classification.